The following is an entry in ClinVar:

NM_004006.3(DMD):c.6986_6987insTATATGGATCACATATACTCATCAGTGATTGTTCAGTAGTGAGCTGTGGGTCCTGCAGGAGCCAGCCAGTCTCCAA (p.Lys2329delinsAsnIleTrpIleThrTyrThrHisGlnTer)

Gene: DMD (dystrophin; minus strand). Cytogenetic location: Xp21.1.
Variant type: Insertion.
Coding change: c.6986_6987insTATATGGATCACATATACTCATCAGTGATTGTTCAGTAGTGAGCTGTGGGTCCTGCAGGAGCCAGCCAGTCTCCAA on transcript NM_004006.3 (MANE Select); coding-DNA positions 6986 to 6987, TATATGGATCACATATACTCATCAGTGATTGTTCAGTAGTGAGCTGTGGGTCCTGCAGGAGCCAGCCAGTCTCCAA inserted.
Protein change: p.Lys2329delinsAsnIleTrpIleThrTyrThrHisGlnTer.
Molecular consequence: nonsense. On other transcripts: 5 prime UTR variant (5).
Genome position: GRCh38: chrX:31,875,301-31,875,302. GRCh37 (hg19): chrX:31,893,418-31,893,419.
Other names: c.6962_6963insTATATGGATCACATATACTCATCAGTGATTGTTCAGTAGTGAGCTGTGGGTCCTGCAGGAGCCAGCCAGTCTCCAA, p.Lys2321delinsAsnIleTrpIleThrTyrThrHisGlnTer (NM_000109.4); c.6974_6975insTATATGGATCACATATACTCATCAGTGATTGTTCAGTAGTGAGCTGTGGGTCCTGCAGGAGCCAGCCAGTCTCCAA, p.Lys2325delinsAsnIleTrpIleThrTyrThrHisGlnTer (NM_004009.3); c.6617_6618insTATATGGATCACATATACTCATCAGTGATTGTTCAGTAGTGAGCTGTGGGTCCTGCAGGAGCCAGCCAGTCTCCAA, p.Lys2206delinsAsnIleTrpIleThrTyrThrHisGlnTer (NM_004010.3); c.2963_2964insTATATGGATCACATATACTCATCAGTGATTGTTCAGTAGTGAGCTGTGGGTCCTGCAGGAGCCAGCCAGTCTCCAA, p.Lys988delinsAsnIleTrpIleThrTyrThrHisGlnTer (NM_004011.4); c.2954_2955insTATATGGATCACATATACTCATCAGTGATTGTTCAGTAGTGAGCTGTGGGTCCTGCAGGAGCCAGCCAGTCTCCAA, p.Lys985delinsAsnIleTrpIleThrTyrThrHisGlnTer (NM_004012.4); c.-395_-394insTATATGGATCACATATACTCATCAGTGATTGTTCAGTAGTGAGCTGTGGGTCCTGCAGGAGCCAGCCAGTCTCCAA (NM_004013.3, NM_004020.4, NM_004021.3 and 2 more transcripts).
Identifiers: ClinVar variation 2120690 (VCV002120690.4), dbSNP rs2532455371, ClinGen allele CA2580100599.

ClinVar aggregate classification (germline): Pathogenic (1 of 4 stars; one submission).

Conditions:
Duchenne muscular dystrophy (DMD). Also called: MUSCULAR DYSTROPHY, PSEUDOHYPERTROPHIC PROGRESSIVE, DUCHENNE TYPE; Duchenne Muscular Dystrophy (DMD). Identifiers: Orphanet 98896, MedGen C0013264, MONDO:0010679, OMIM 310200.

Submission:

Labcorp Genetics (formerly Invitae), Labcorp
Classification: Pathogenic for Duchenne muscular dystrophy. Last evaluated: 2022-06-10. Review status: criteria provided, single submitter. Criteria: Invitae Variant Classification Sherloc (09022015). Collection method: clinical testing. Allele origin: germline.
Comment: This variant has not been reported in the literature in individuals affected with DMD-related conditions. This variant is not present in population databases (gnomAD no frequency). This sequence change creates a premature translational stop signal (p.Lys2329Asnfs*10) in the DMD gene. It is expected to result in an absent or disrupted protein product. Loss-of-function variants in DMD are known to be pathogenic (PMID: 16770791, 25007885). For these reasons, this variant has been classified as Pathogenic.

Literature cited by the submitters: PubMed 16770791; PubMed 25007885.